The following is an entry in ClinVar:

NM_000038.6(APC):c.1289G>A (p.Gly430Asp)

Gene: APC (APC regulator of Wnt signaling pathway; plus strand). Cytogenetic location: 5q22.2.
Variant type: single nucleotide variant.
Coding change: c.1289G>A on transcript NM_000038.6 (MANE Select); coding-DNA position 1289, G replaced by A.
Protein change: p.Gly430Asp; replaces glycine 430 with aspartic acid.
Molecular consequence: missense variant.
Genome position (GRCh38, 1-based): chr5:112,819,321, G>A. VCF-style: chr5-112819321-G-A. GRCh37 (hg19) VCF-style: chr5-112155018-G-A.
Other names: c.1289G>A, p.Gly430Asp (NM_001127510.3, NM_001354895.2, NM_001354896.2); c.1235G>A, p.Gly412Asp (NM_001127511.3); c.1319G>A, p.Gly440Asp (NM_001354897.2); c.1214G>A, p.Gly405Asp (NM_001354898.2); c.1205G>A, p.Gly402Asp (NM_001354899.2); c.1112G>A, p.Gly371Asp (NM_001354900.2, NM_001354901.2); c.1016G>A, p.Gly339Asp (NM_001354902.2); c.986G>A, p.Gly329Asp (NM_001354903.2); and 3 more; short protein forms G430D, G412D, G270D, G402D, G405D, G147D, G304D, G329D.
Identifiers: ClinVar variation 411456 (VCV000411456.19), dbSNP rs1060503317, ClinGen allele CA16024128.

ClinVar aggregate classification (germline): Uncertain significance. Review status: criteria provided, multiple submitters, no conflicts (2 of 4 stars). 5 submissions from 5 submitters: Uncertain significance (5). Last evaluated 2025-10-28.

Conditions:
Familial adenomatous polyposis 1 (FAP1). Also called: FAMILIAL ADENOMATOUS POLYPOSIS 1, ATTENUATED; POLYPOSIS, ADENOMATOUS INTESTINAL. Identifiers: MedGen C2713442, MONDO:0021056, OMIM 175100. Disease mechanism: loss of function.
Classic or attenuated familial adenomatous polyposis. Identifiers: MedGen CN372698, MONDO:0021057.
Hereditary cancer-predisposing syndrome. Also called: Tumor predisposition; Hereditary Cancer Syndrome; Hereditary neoplastic syndrome; Neoplastic Syndromes, Hereditary. Identifiers: Orphanet 140162, MedGen C0027672, MeSH D009386, MONDO:0015356.

Submissions (5):

Labcorp Genetics (formerly Invitae), Labcorp
Classification: Uncertain significance for Familial adenomatous polyposis 1. Last evaluated: 2025-10-28. Review status: criteria provided, single submitter. Criteria: Invitae Variant Classification Sherloc (09022015). Collection method: clinical testing. Allele origin: germline.
Comment: This sequence change replaces glycine, which is neutral and non-polar, with aspartic acid, which is acidic and polar, at codon 430 of the APC protein (p.Gly430Asp). This variant is not present in population databases (gnomAD no frequency). This variant has not been reported in the literature in individuals affected with APC-related conditions. ClinVar contains an entry for this variant (Variation ID: 411456). Invitae Evidence Modeling of protein sequence and biophysical properties (such as structural, functional, and spatial information, amino acid conservation, physicochemical variation, residue mobility, and thermodynamic stability) indicates that this missense variant is not expected to disrupt APC protein function with a negative predictive value of 95%. In summary, the available evidence is currently insufficient to determine the role of this variant in disease. Therefore, it has been classified as a Variant of Uncertain Significance.

GeneDx
Classification: Uncertain significance. Last evaluated: 2024-09-23. Review status: criteria provided, single submitter. Criteria: GeneDx Variant Classification Process June 2021. Collection method: clinical testing. Allele origin: germline. Affected: yes.
Comment: Not observed at significant frequency in large population cohorts (gnomAD); In silico analysis supports that this missense variant has a deleterious effect on protein structure/function; Has not been previously published as pathogenic or benign to our knowledge

All of Us Research Program, National Institutes of Health
Classification: Uncertain significance for Classic or attenuated familial adenomatous polyposis. Last evaluated: 2024-09-11. Review status: criteria provided, single submitter. Criteria: ACMG Guidelines, 2015. Collection method: clinical testing. Allele origin: germline. Inheritance: Autosomal dominant inheritance. Observed: 2 variant alleles, 2 heterozygotes.
Comment: This study involves interpretation of variants in research participants for the purpose of population health screening. Participant phenotype was not available at the time of variant classification. Additional details can be found in publication PMID: 35346344, PMCID: PMC8962531

Ambry Genetics
Classification: Uncertain significance for Hereditary cancer-predisposing syndrome. Last evaluated: 2023-12-06. Review status: criteria provided, single submitter. Criteria: Ambry Variant Classification Scheme 2023. Collection method: clinical testing. Allele origin: germline.
Comment: The p.G430D variant (also known as c.1289G>A), located in coding exon 9 of the APC gene, results from a G to A substitution at nucleotide position 1289. The glycine at codon 430 is replaced by aspartic acid, an amino acid with similar properties. This amino acid position is highly conserved in available vertebrate species. In addition, in silico predictors for this gene do not accurately predict pathogenicity. Since supporting evidence is limited at this time, the clinical significance of this alteration remains unclear.

Baylor Genetics
Classification: Uncertain significance for Familial adenomatous polyposis 1. Last evaluated: 2023-08-02. Review status: criteria provided, single submitter. Criteria: ACMG Guidelines, 2015. Collection method: clinical testing. Allele origin: unknown.